The following is an entry in ClinVar:

ClinVar aggregate classification (germline): Benign/Likely benign. Review status: criteria provided, multiple submitters, no conflicts (2 of 4 stars). 10 submissions from 9 submitters: Benign (7); Likely benign (2). 1 of the submissions does not count toward it. Last evaluated 2026-03-01.

Conditions:
ACTB-related disorder. Also called: ACTB-related disorders; ACTB-related condition.
Developmental malformations-deafness-dystonia syndrome (DDS1). Identifiers: Orphanet 79107, MedGen C5848323, MONDO:0011823, OMIM 607371.
Baraitser-Winter syndrome 1 (BRWS1). Also called: PACHYGYRIA, MENTAL RETARDATION, EPILEPSY, AND CHARACTERISTIC FACIES; MENTAL RETARDATION WITH EPILEPSY AND CHARACTERISTIC FACIES; Cerebrofrontofacial syndrome; BARAITSER-WINTER SYNDROME 1, ATYPICAL. Identifiers: Orphanet 2649, Orphanet 2995, MedGen C1855722, MONDO:0009470, OMIM 243310.

Allele frequency attached by ClinVar (database versions not stated): gnomAD exomes 0.00018 and 0.00044; ExAC 0.00050; 1000 Genomes Project 0.00120; gnomAD 0.00144 and 0.00150; ESP Exome Variant Server 0.00146; 1000 Genomes Project 30x 0.00156; TOPMed 0.00181.
gnomAD v4.1: 502 of 1,614,052 alleles (0.031%); highest among the groups gnomAD compares: African/African-American, 0.48%; 1 homozygote.

Submissions (10):

CeGaT Center for Human Genetics Tuebingen
Classification: Likely benign. Last evaluated: 2026-03-01. Review status: criteria provided, single submitter. Criteria: CeGaT Center For Human Genetics Tuebingen Variant Classification Criteria Version 2. Collection method: clinical testing. Allele origin: germline. Affected: yes. Observed: 1 variant allele.
Comment: ACTB: BP4, BP7, BS1

Labcorp Genetics (formerly Invitae), Labcorp
Classification: Benign for Baraitser-Winter syndrome 1. Last evaluated: 2026-02-02. Review status: criteria provided, single submitter. Criteria: Invitae Variant Classification Sherloc (09022015). Collection method: clinical testing. Allele origin: germline.

Blueprint Genetics
Classification: Likely benign. Last evaluated: 2024-11-14. Review status: criteria provided, single submitter. Criteria: ACMG Guidelines, 2015. Collection method: clinical testing. Allele origin: germline.

Genome-Nilou Lab
Classification: Benign for Baraitser-Winter syndrome 1. Last evaluated: 2021-12-05. Review status: criteria provided, single submitter. Criteria: ACMG Guidelines, 2015. Collection method: clinical testing. Allele origin: germline. Affected: no.

Genome-Nilou Lab
Classification: Benign for Developmental malformations-deafness-dystonia syndrome. Last evaluated: 2021-12-05. Review status: criteria provided, single submitter. Criteria: ACMG Guidelines, 2015. Collection method: clinical testing. Allele origin: germline. Affected: no.

Fulgent Genetics
Classification: Benign for Baraitser-Winter syndrome 1; Developmental malformations-deafness-dystonia syndrome. Last evaluated: 2021-07-16. Review status: criteria provided, single submitter. Criteria: ACMG Guidelines, 2015. Collection method: clinical testing. Allele origin: unknown.

Athena Diagnostics
Classification: Benign. Last evaluated: 2018-11-12. Review status: criteria provided, single submitter. Criteria: Athena Diagnostics Criteria. Collection method: clinical testing. Allele origin: germline.

GeneDx
Classification: Benign. Last evaluated: 2017-04-24. Review status: criteria provided, single submitter. Criteria: GeneDx Variant Classification (06012015). Collection method: clinical testing. Allele origin: germline. Affected: yes.
Comment: This variant is considered likely benign or benign based on one or more of the following criteria: it is a conservative change, it occurs at a poorly conserved position in the protein, it is predicted to be benign by multiple in silico algorithms, and/or has population frequency not consistent with disease.

Eurofins Ntd Llc (ga)
Classification: Benign. Last evaluated: 2016-09-13. Review status: criteria provided, single submitter. Criteria: EGL Classification Definitions 2015. Collection method: clinical testing. Allele origin: germline. Observed: 1 variant allele, 1 heterozygote.

PreventionGenetics, part of Exact Sciences
Classification: Benign for ACTB-related condition. Last evaluated: 2021-10-27. Review status: no assertion criteria provided. Collection method: clinical testing. Allele origin: germline. Not counted in ClinVar's aggregate classification.
Comment: This variant is classified as benign based on ACMG/AMP sequence variant interpretation guidelines (Richards et al. 2015 PMID: 25741868, with internal and published modifications).

NM_001101.5(ACTB):c.168C>T (p.Asp56=)

Gene: ACTB (actin beta; minus strand). Cytogenetic location: 7p22.1.
Variant type: single nucleotide variant.
Coding change: c.168C>T on transcript NM_001101.5 (MANE Select); coding-DNA position 168, C replaced by T.
Protein change: p.Asp56=; no amino-acid change (aspartic acid 56 retained).
Molecular consequence: synonymous variant.
Genome position (GRCh38, 1-based): chr7:5,529,356, G>A on the plus strand (C>T on the coding strand, the complement: ACTB is on the minus strand). VCF-style: chr7-5529356-G-A. GRCh37 (hg19) VCF-style: chr7-5568987-G-A.
Other names: c.168C>T (LRG_132t1).
Identifiers: ClinVar variation 290840 (VCV000290840.28), dbSNP rs13447398, ClinGen allele CA4147132.